The following is an entry in ClinVar:

ClinVar aggregate classification (germline): Uncertain significance. Review status: criteria provided, multiple submitters, no conflicts (2 of 4 stars). 2 submissions from 2 submitters: Uncertain significance (2). Last evaluated 2023-02-23.

Conditions:
Hereditary breast ovarian cancer syndrome. Also called: Hereditary breast and ovarian cancer syndrome; Breast and ovarian cancer; Hereditary breast and ovarian cancer; Hereditary breast and/or ovarian cancer syndrome; Hereditary breast and ovarian cancer syndrome (HBOC); BRCA1- and BRCA2-Associated Hereditary Breast and Ovarian Cancer. Identifiers: Orphanet 145, MedGen C0677776, MeSH D061325, MONDO:0003582. Disease mechanism: loss of function.
Hereditary cancer-predisposing syndrome. Also called: Hereditary neoplastic syndrome; Tumor predisposition; Neoplastic Syndromes, Hereditary; Hereditary Cancer Syndrome. Identifiers: Orphanet 140162, MedGen C0027672, MeSH D009386, MONDO:0015356.

Allele frequency attached by ClinVar (database versions not stated): TOPMed below 0.00001.

Submissions (2):

Ambry Genetics
Classification: Uncertain significance for Hereditary cancer-predisposing syndrome. Last evaluated: 2023-02-23. Review status: criteria provided, single submitter. Criteria: Ambry Variant Classification Scheme 2023. Collection method: clinical testing. Allele origin: germline.
Comment: The c.1585_1587dupTTT variant (also known as p.F529dup), located in coding exon 9 of the BRCA2 gene, results from an in-frame duplication of TTT at nucleotide positions 1585 to 1587. This results in the duplication of an extra residue between codons 529 and 530. This amino acid position is not well conserved in available vertebrate species. In addition, this alteration is predicted to be neutral by in silico analysis (Choi Y et al. PLoS ONE. 2012; 7(10):e46688). Since supporting evidence is limited at this time, the clinical significance of this alteration remains unclear.

Labcorp Genetics (formerly Invitae), Labcorp
Classification: Uncertain significance for Hereditary breast ovarian cancer syndrome. Last evaluated: 2022-12-04. Review status: criteria provided, single submitter. Criteria: Invitae Variant Classification Sherloc (09022015). Collection method: clinical testing. Allele origin: germline.
Comment: In summary, the available evidence is currently insufficient to determine the role of this variant in disease. Therefore, it has been classified as a Variant of Uncertain Significance. Experimental studies and prediction algorithms are not available or were not evaluated, and the functional significance of this variant is currently unknown. ClinVar contains an entry for this variant (Variation ID: 571038). This variant has not been reported in the literature in individuals affected with BRCA2-related conditions. This variant is not present in population databases (gnomAD no frequency). This variant, c.1585_1587dup, results in the insertion of 1 amino acid(s) of the BRCA2 protein (p.Phe529dup), but otherwise preserves the integrity of the reading frame.

NM_000059.4(BRCA2):c.1585_1587dup (p.Phe529dup)

Gene: BRCA2 (BRCA2 DNA repair associated; plus strand). Cytogenetic location: 13q13.1.
Variant type: Duplication.
Coding change: c.1585_1587dup on transcript NM_000059.4 (MANE Select); coding-DNA positions 1585 to 1587, 3 bases duplicated (TTT; older notation c.1585_1587dupTTT).
Protein change: p.Phe529dup; duplicates phenylalanine 529.
Molecular consequence: inframe insertion.
Genome position (GRCh38, 1-based): chr13:32,333,063-32,333,065, TTT duplicated. VCF-style (leftmost placement, unchanged base first): chr13-32333062-C-CTTT. GRCh37 (hg19) VCF-style: chr13-32907199-C-CTTT.
Other names: c.1585_1587dupTTT (NM_000059.3).
Identifiers: ClinVar variation 571038 (VCV000571038.12), dbSNP rs1017181748, ClinGen allele CA247497791.
Genomic context (GRCh38, chr13:32,333,062, plus strand): 5'-AAGAGAATCACCTAAAGAGACTTTCAATGCAAGTTTTTCAGGTCATATGACTGATCCAAA[C>CTTT]TTTAAAAAAGAAACTGAAGCCTCTGAAAGTGGACTGGAAATACATACTGTTTGCTCACAG-3'